The following is an entry in ClinVar:

NM_015404.4(WHRN):c.1353T>C (p.Gly451=)

Gene: WHRN (whirlin; minus strand). Cytogenetic location: 9q32.
Variant type: single nucleotide variant.
Coding change: c.1353T>C on transcript NM_015404.4 (MANE Select); coding-DNA position 1353, T replaced by C.
Protein change: p.Gly451=; no amino-acid change (glycine 451 retained).
Molecular consequence: synonymous variant.
Genome position (GRCh38, 1-based): chr9:114,424,397, A>G on the plus strand (T>C on the coding strand, the complement: WHRN is on the minus strand). VCF-style: chr9-114424397-A-G. GRCh37 (hg19) VCF-style: chr9-117186677-A-G.
Other names: p.Gly451=; c.1353T>C (NM_015404.2); c.204T>C, p.Gly68= (NM_001083885.3); c.1353T>C, p.Gly451= (NM_001173425.2); c.300T>C, p.Gly100= (NM_001346890.1).
Identifiers: ClinVar variation 45650 (VCV000045650.27), dbSNP rs4979387, ClinGen allele CA136874.

ClinVar aggregate classification (germline): Benign. Review status: criteria provided, multiple submitters, no conflicts (2 of 4 stars). 10 submissions from 9 submitters: Benign (10). Last evaluated 2026-02-04.

Conditions:
Autosomal recessive nonsyndromic hearing loss 31. Also called: WHIRLER, MOUSE, HOMOLOG OF. Identifiers: Orphanet 90636, MedGen C1846839, MONDO:0011767, OMIM 607084.
Usher syndrome type 2D. Also called: USHER SYNDROME, TYPE IID. Identifiers: Orphanet 231178, Orphanet 886, MedGen C1568249, MONDO:0012662, OMIM 611383.

Allele frequency attached by ClinVar (database versions not stated): ESP Exome Variant Server 0.76211; gnomAD 0.76260 and 0.76854; TOPMed 0.78502; ExAC 0.79413; gnomAD exomes 0.79527; 1000 Genomes Project 30x 0.82792; 1000 Genomes Project 0.83007.
gnomAD v4.1: 1,241,323 of 1,612,494 alleles (77%); highest among the groups gnomAD compares: East Asian, 95%; 480,003 homozygotes.

Submissions (10):

Labcorp Genetics (formerly Invitae), Labcorp
Classification: Benign. Last evaluated: 2026-02-04. Review status: criteria provided, single submitter. Criteria: Invitae Variant Classification Sherloc (09022015). Collection method: clinical testing. Allele origin: germline.

Genome-Nilou Lab
Classification: Benign for Autosomal recessive nonsyndromic hearing loss 31. Last evaluated: 2021-07-30. Review status: criteria provided, single submitter. Criteria: ACMG Guidelines, 2015. Collection method: clinical testing. Allele origin: germline. Affected: no.

Mayo Clinic Laboratories, Mayo Clinic
Classification: Benign. Last evaluated: 2020-04-03. Review status: criteria provided, single submitter. Criteria: ACMG Guidelines, 2015. Collection method: clinical testing. Allele origin: germline. Observed: 156 variant alleles.

Illumina Laboratory Services, Illumina
Classification: Benign for Usher syndrome type 2D. Last evaluated: 2018-01-13. Review status: criteria provided, single submitter. Criteria: ICSL Variant Classification Criteria 13 December 2019. Collection method: clinical testing. Allele origin: germline.
Comment: This variant was observed in the ICSL laboratory as part of a predisposition screen in an ostensibly healthy population. It had not been previously curated by ICSL or reported in the Human Gene Mutation Database (HGMD: prior to June 1st, 2018), and was therefore a candidate for classification through an automated scoring system. Utilizing variant allele frequency, disease prevalence and penetrance estimates, and inheritance mode, an automated score was calculated to assess if this variant is too frequent to cause the disease. Based on the score and internal cut-off values, a variant classified as benign is not then subjected to further curation. The score for this variant resulted in a classification of benign for this disease.

Illumina Laboratory Services, Illumina
Classification: Benign for Autosomal recessive nonsyndromic hearing loss 31. Last evaluated: 2018-01-13. Review status: criteria provided, single submitter. Criteria: ICSL Variant Classification Criteria 13 December 2019. Collection method: clinical testing. Allele origin: germline.
Comment: the same text as in the submission from Illumina Laboratory Services, Illumina above.

GeneDx
Classification: Benign. Last evaluated: 2015-03-03. Review status: criteria provided, single submitter. Criteria: GeneDx Variant Classification Process June 2021. Collection method: clinical testing. Allele origin: germline. Affected: yes.

Eurofins Ntd Llc (ga)
Classification: Benign. Last evaluated: 2013-11-11. Review status: criteria provided, single submitter. Criteria: EGL Classification Definitions 2015. Collection method: clinical testing. Allele origin: germline. Observed: 1 variant allele, 1 heterozygote.

Laboratory for Molecular Medicine, Mass General Brigham Personalized Medicine
Classification: Benign. Last evaluated: 2009-06-24. Review status: criteria provided, single submitter. Criteria: LMM Criteria. Collection method: clinical testing. Allele origin: germline. Observed: 2,052 variant alleles.

Breakthrough Genomics
Classification: Benign. Review status: criteria provided, single submitter. Criteria: ACMG Guidelines, 2015. Collection method: not provided. Allele origin: germline. Inheritance: Autosomal recessive inheritance. Affected: yes.

PreventionGenetics, part of Exact Sciences
Classification: Benign. Review status: criteria provided, single submitter. Criteria: ACMG Guidelines, 2015. Collection method: clinical testing. Allele origin: germline.

Literature cited by the submitters: PubMed 15841483 (cited by Laboratory for Molecular Medicine, Mass General Brigham Personalized Medicine).